The following is an entry in ClinVar:

NM_001287.6(CLCN7):c.436_438del (p.Ile146del)

Gene: CLCN7 (Cl-/H+ antiporter 7; minus strand). Cytogenetic location: 16p13.3.
Variant type: Deletion.
Coding change: c.436_438del on transcript NM_001287.6 (MANE Select); coding-DNA positions 436 to 438, 3 bases deleted (ATC; older notation c.436_438delATC).
Protein change: p.Ile146del; deletes isoleucine 146.
Molecular consequence: inframe deletion.
Genome position (GRCh38, 1-based): chr16:1,460,862-1,460,864, GAT deleted on the plus strand (ATC on the coding strand, the reverse complement: CLCN7 is on the minus strand); deleting any 3 consecutive bases within chr16:1,460,862-1,460,865 gives the same sequence; the c. name uses the placement nearest the transcript's 3' end. VCF-style (leftmost placement, unchanged base first): chr16-1460861-CGAT-C. GRCh37 (hg19) VCF-style: chr16-1510862-CGAT-C.
Other names: c.364_366del, p.Ile122del (NM_001114331.3); short protein forms I122del, I146del.
Identifiers: ClinVar variation 1710504 (VCV001710504.2), dbSNP rs2505845500, ClinGen allele CA2580090460.

ClinVar aggregate classification (germline): Uncertain significance. Review status: criteria provided, multiple submitters, no conflicts (2 of 4 stars). 2 submissions from 2 submitters: Uncertain significance (2). Last evaluated 2022-08-17.

Conditions:
Autosomal recessive osteopetrosis 4. Also called: infantile malignant CLCN7-related recessive osteopetrosis; CLCN7-Related Osteopetrosis. Identifiers: Orphanet 667, MedGen C1969106, MONDO:0012676, OMIM 611490.
Hypopigmentation, organomegaly, and delayed myelination and development. Identifiers: MedGen C5203300, MONDO:0032805, OMIM 618541.

Submissions (2):

Baylor Genetics
Classification: Uncertain significance for Autosomal recessive osteopetrosis 4. Last evaluated: 2022-08-17. Review status: criteria provided, single submitter. Criteria: ACMG Guidelines, 2015. Collection method: clinical testing. Allele origin: unknown.

Wangler Lab, Baylor College of Medicine
Classification: Uncertain significance for Hypopigmentation, organomegaly, and delayed myelination and development. Review status: criteria provided, single submitter. Criteria: ACMG Guidelines, 2015. Collection method: clinical testing. Allele origin: unknown. Affected: yes. Observed: 1 heterozygote.
Comment: This CLCN7 variant was discovered on exome through the Texome Project (R01HG011795). This variant is predicted to cause an inframe deletion. It has not been observed in gnomAD (PM2), and the evolutionary conservation of the affected residue is high. We classify this as a variant of uncertain significance.